The following is an entry in ClinVar:

ClinVar aggregate classification (germline): Uncertain significance (1 of 4 stars; one submission).

Submission:

Labcorp Genetics (formerly Invitae), Labcorp
Classification: Uncertain significance. Last evaluated: 2024-08-28. Review status: criteria provided, single submitter. Criteria: Invitae Variant Classification Sherloc (09022015). Collection method: clinical testing. Allele origin: germline.
Comment: This sequence change replaces serine, which is neutral and polar, with cysteine, which is neutral and slightly polar, at codon 829 of the DUOX2 protein (p.Ser829Cys). This variant is present in population databases (no rsID available, gnomAD 0.0009%). This variant has not been reported in the literature in individuals affected with DUOX2-related conditions. ClinVar contains an entry for this variant (Variation ID: 1470013). Invitae Evidence Modeling of protein sequence and biophysical properties (such as structural, functional, and spatial information, amino acid conservation, physicochemical variation, residue mobility, and thermodynamic stability) indicates that this missense variant is not expected to disrupt DUOX2 protein function with a negative predictive value of 80%. In summary, the available evidence is currently insufficient to determine the role of this variant in disease. Therefore, it has been classified as a Variant of Uncertain Significance.

NM_001363711.2(DUOX2):c.2486C>G (p.Ser829Cys)

Gene: DUOX2 (dual oxidase 2; minus strand). Cytogenetic location: 15q21.1.
Variant type: single nucleotide variant.
Coding change: c.2486C>G on transcript NM_001363711.2 (MANE Select); coding-DNA position 2486, C replaced by G.
Protein change: p.Ser829Cys; replaces serine 829 with cysteine.
Molecular consequence: missense variant.
Genome position (GRCh38, 1-based): chr15:45,104,214, G>C on the plus strand (C>G on the coding strand, the complement: DUOX2 is on the minus strand). VCF-style: chr15-45104214-G-C. GRCh37 (hg19) VCF-style: chr15-45396412-G-C.
Other names: c.2486C>G, p.Ser829Cys (NM_014080.5); short protein forms S829C.
Identifiers: ClinVar variation 1470013 (VCV001470013.7), dbSNP rs747379855, ClinGen allele CA392269587.